The following is an entry in ClinVar:

NM_002185.5(IL7R):c.1135G>A (p.Ala379Thr)

Gene: IL7R (interleukin 7 receptor; plus strand). Cytogenetic location: 5p13.2.
Variant type: single nucleotide variant.
Coding change: c.1135G>A on transcript NM_002185.5 (MANE Select); coding-DNA position 1135, G replaced by A.
Protein change: p.Ala379Thr; replaces alanine 379 with threonine.
Molecular consequence: missense variant. On other transcripts: non-coding transcript variant (1).
Genome position (GRCh38, 1-based): chr5:35,876,241, G>A. VCF-style: chr5-35876241-G-A. GRCh37 (hg19) VCF-style: chr5-35876343-G-A.
Other names: short protein forms A379T.
Identifiers: ClinVar variation 1422756 (VCV001422756.3), dbSNP rs200570812, ClinGen allele CA3232206.
Genomic context (GRCh38, chr5:35,876,241, plus strand): 5'-GAAAGCTTTGGAAGAGATTCATCCCTCACATGCCTGGCTGGGAATGTCAGTGCATGTGAC[G>A]CCCCTATTCTCTCCTCTTCCAGGTCCCTAGACTGCAGGGAGAGTGGCAAGAATGGGCCTC-3'
Protein context (NP_002176.2, residues 369-389): CLAGNVSACD[Ala379Thr]PILSSSRSLD

ClinVar aggregate classification (germline): Uncertain significance (1 of 4 stars; one submission).

Conditions:
Immunodeficiency 104. Also called: Severe Combined Immune Deficiency, Autosomal Recessive, TCell -Negative, B Cell-Positive, NK Cell-Positive, IL7R-Related; IMMUNODEFICIENCY 104, SEVERE COMBINED; SCID, AUTOSOMAL RECESSIVE, T CELL-NEGATIVE, B CELL-POSITIVE, NK CELL-POSITIVE; Severe combined immunodeficiency, autosomal recessive, T cell-negative, B cell-positive, NK cell-positive. Identifiers: MedGen C5676890, MONDO:0012163, OMIM 608971.

Allele frequency attached by ClinVar (database versions not stated): TOPMed 0.00001; ExAC 0.00002; gnomAD 0.00003; gnomAD exomes 0.00003 and 0.00004.
gnomAD v4.1: 65 of 1,613,980 alleles (0.004%); highest among the groups gnomAD compares: South Asian, 0.0055%; no homozygotes.

Submission:

Labcorp Genetics (formerly Invitae), Labcorp
Classification: Uncertain significance for Immunodeficiency 104. Last evaluated: 2022-03-02. Review status: criteria provided, single submitter. Criteria: Invitae Variant Classification Sherloc (09022015). Collection method: clinical testing. Allele origin: germline.
Comment: This sequence change replaces alanine, which is neutral and non-polar, with threonine, which is neutral and polar, at codon 379 of the IL7R protein (p.Ala379Thr). This variant is present in population databases (rs200570812, gnomAD 0.006%). This variant has not been reported in the literature in individuals affected with IL7R-related conditions. Advanced modeling of protein sequence and biophysical properties (such as structural, functional, and spatial information, amino acid conservation, physicochemical variation, residue mobility, and thermodynamic stability) performed at Invitae indicates that this missense variant is not expected to disrupt IL7R protein function. In summary, the available evidence is currently insufficient to determine the role of this variant in disease. Therefore, it has been classified as a Variant of Uncertain Significance.